The following is an entry in ClinVar:

NM_000138.5(FBN1):c.6404A>T (p.Asp2135Val)

Gene: FBN1 (fibrillin 1; minus strand). Cytogenetic location: 15q21.1.
Variant type: single nucleotide variant.
Coding change: c.6404A>T on transcript NM_000138.5 (MANE Select); coding-DNA position 6404, A replaced by T.
Protein change: p.Asp2135Val; replaces aspartic acid 2135 with valine.
Molecular consequence: missense variant.
Genome position (GRCh38, 1-based): chr15:48,437,053, T>A on the plus strand (A>T on the coding strand, the complement: FBN1 is on the minus strand). VCF-style: chr15-48437053-T-A. GRCh37 (hg19) VCF-style: chr15-48729250-T-A.
Other names: c.6404A>T, p.Asp2135Val (NM_001406716.1); short protein forms D2135V.
Identifiers: ClinVar variation 2090263 (VCV002090263.4), dbSNP rs2505435996, ClinGen allele CA392336660.

ClinVar aggregate classification (germline): Uncertain significance (1 of 4 stars; one submission).

Conditions:
Familial thoracic aortic aneurysm and aortic dissection (TAAD). Also called: Thoracic aortic aneurysms and dissections. Identifiers: Orphanet 91387, MedGen C4707243, MONDO:0019625.
Marfan syndrome (MFS). Also called: MARFAN SYNDROME, TYPE I; Marfan syndrome type 1; Marfan's syndrome; Marfan syndrome, classic; FBN1-Related Marfan Syndrome. Identifiers: Orphanet 284963, Orphanet 558, MedGen C0024796, MONDO:0007947, OMIM 154700.

Submission:

Labcorp Genetics (formerly Invitae), Labcorp
Classification: Uncertain significance for Marfan syndrome; Familial thoracic aortic aneurysm and aortic dissection. Last evaluated: 2022-01-27. Review status: criteria provided, single submitter. Criteria: Invitae Variant Classification Sherloc (09022015). Collection method: clinical testing. Allele origin: germline.
Comment: This sequence change replaces aspartic acid, which is acidic and polar, with valine, which is neutral and non-polar, at codon 2135 of the FBN1 protein (p.Asp2135Val). This variant is not present in population databases (gnomAD no frequency). This variant has not been reported in the literature in individuals affected with FBN1-related conditions. Advanced modeling of protein sequence and biophysical properties (such as structural, functional, and spatial information, amino acid conservation, physicochemical variation, residue mobility, and thermodynamic stability) performed at Invitae indicates that this missense variant is expected to disrupt FBN1 protein function. In summary, the available evidence is currently insufficient to determine the role of this variant in disease. Therefore, it has been classified as a Variant of Uncertain Significance.